The following is an entry in ClinVar:

ClinVar aggregate classification (germline): Uncertain significance (1 of 4 stars; one submission).

Submission:

GeneDx
Classification: Uncertain significance. Last evaluated: 2025-07-29. Review status: criteria provided, single submitter. Criteria: GeneDx Variant Classification Process June 2021. Collection method: clinical testing. Allele origin: germline. Affected: yes.
Comment: Not observed at significant frequency in large population cohorts (gnomAD); In silico analysis suggests that this missense variant does not alter protein structure/function; Has not been previously published as pathogenic or benign to our knowledge

NM_001379451.1(BCORL1):c.846G>C (p.Leu282Phe)

Gene: BCORL1 (BCL6 corepressor like 1; plus strand). Cytogenetic location: Xq26.1.
Variant type: single nucleotide variant.
Coding change: c.846G>C on transcript NM_001379451.1 (MANE Select); coding-DNA position 846, G replaced by C.
Protein change: p.Leu282Phe; replaces leucine 282 with phenylalanine.
Molecular consequence: missense variant.
Genome position (GRCh38, 1-based): chrX:130,013,618, G>C. VCF-style: chrX-130013618-G-C. GRCh37 (hg19) VCF-style: chrX-129147594-G-C.
Other names: c.846G>C, p.Leu282Phe (NM_001184772.3, NM_001379450.1, NM_001441326.1 and 7 more transcripts); short protein forms L282F.
Identifiers: ClinVar variation 4689855 (VCV004689855.1).